The following is an entry in ClinVar:

ClinVar aggregate classification (germline): Uncertain significance (1 of 4 stars; one submission).

Conditions:
Cardiovascular phenotype. Identifiers: MedGen CN230736.

gnomAD v4.1: 1 of 1,535,752 alleles (0.000065%); highest among the groups gnomAD compares: Non-Finnish European, 0.000087%; no homozygotes.

Submission:

Ambry Genetics
Classification: Uncertain significance for Cardiovascular phenotype. Last evaluated: 2017-03-16. Review status: criteria provided, single submitter. Criteria: Ambry Variant Classification Scheme 2023. Collection method: clinical testing. Allele origin: germline.
Comment: The p.P535S variant (also known as c.1603C>T), located in coding exon 4 of the JPH2 gene, results from a C to T substitution at nucleotide position 1603. The proline at codon 535 is replaced by serine, an amino acid with similar properties. This amino acid position is well conserved in available vertebrate species. In addition, this alteration is predicted to be tolerated by in silico analysis. Since supporting evidence is limited at this time, the clinical significance of this alteration remains unclear.

NM_020433.5(JPH2):c.1603C>T (p.Pro535Ser)

Gene: JPH2 (junctophilin 2; minus strand). Cytogenetic location: 20q13.12.
Variant type: single nucleotide variant.
Coding change: c.1603C>T on transcript NM_020433.5 (MANE Select); coding-DNA position 1603, C replaced by T.
Protein change: p.Pro535Ser; replaces proline 535 with serine.
Molecular consequence: missense variant.
Genome position (GRCh38, 1-based): chr20:44,116,072, G>A on the plus strand (C>T on the coding strand, the complement: JPH2 is on the minus strand). VCF-style: chr20-44116072-G-A. GRCh37 (hg19) VCF-style: chr20-42744712-G-A.
Other names: short protein forms P535S.
Identifiers: ClinVar variation 520347 (VCV000520347.5), dbSNP rs908217758, ClinGen allele CA314642601.